The following is an entry in ClinVar:

ClinVar aggregate classification (germline): Uncertain significance (1 of 4 stars; one submission).

Conditions:
Emery-Dreifuss muscular dystrophy (EDMD). Also called: Scapuloperoneal syndrome, X-linked (formerly); Humeroperoneal neuromuscular disease, (formerly). Identifiers: Orphanet 261, MedGen C0410189, MONDO:0016830.

Allele frequency attached by ClinVar (database versions not stated): gnomAD exomes below 0.00001; TOPMed below 0.00001; ExAC 0.00001; gnomAD 0.00001.
gnomAD v4.1: 8 of 1,613,936 alleles (0.0005%); highest among the groups gnomAD compares: South Asian, 0.0022%; no homozygotes.

Submission:

Labcorp Genetics (formerly Invitae), Labcorp
Classification: Uncertain significance for Emery-Dreifuss muscular dystrophy. Last evaluated: 2024-04-08. Review status: criteria provided, single submitter. Criteria: Invitae Variant Classification Sherloc (09022015). Collection method: clinical testing. Allele origin: germline.
Comment: This sequence change replaces histidine, which is basic and polar, with arginine, which is basic and polar, at codon 379 of the SUN1 protein (p.His379Arg). This variant is present in population databases (rs771668059, gnomAD 0.003%). This variant has not been reported in the literature in individuals affected with SUN1-related conditions. Algorithms developed to predict the effect of missense changes on protein structure and function output the following: SIFT: "Not Available"; PolyPhen-2: "Probably Damaging"; Align-GVGD: "Not Available". The arginine amino acid residue is found in multiple mammalian species, which suggests that this missense change does not adversely affect protein function. In summary, the available evidence is currently insufficient to determine the role of this variant in disease. Therefore, it has been classified as a Variant of Uncertain Significance.

NM_001130965.3(SUN1):c.1136A>G (p.His379Arg)

Gene: SUN1 (Sad1 and UNC84 domain containing 1; plus strand). Cytogenetic location: 7p22.3.
Variant type: single nucleotide variant.
Coding change: c.1136A>G on transcript NM_001130965.3 (MANE Select); coding-DNA position 1136, A replaced by G.
Protein change: p.His379Arg; replaces histidine 379 with arginine.
Molecular consequence: missense variant. On other transcripts: non-coding transcript variant (3).
Genome position (GRCh38, 1-based): chr7:853,491, A>G. VCF-style: chr7-853491-A-G. GRCh37 (hg19) VCF-style: chr7-893128-A-G.
Other names: c.1097A>G, p.His366Arg (NM_001367645.1, NM_001367689.1, NM_001367667.1); c.1265A>G, p.His422Arg (NM_001367646.1, NM_001367707.1); c.1178A>G, p.His393Arg (NM_001367647.1, NM_001367668.1); c.1121A>G, p.His374Arg (NM_001367642.1); c.1328A>G, p.His443Arg (NM_001367643.1); c.1067A>G, p.His356Arg (NM_001367644.1); c.998A>G, p.His333Arg (NM_001367648.1); c.1181A>G, p.His394Arg (NM_001367649.1); and 38 more; short protein forms H190R, H329R, H333R, H366R, H374R, H378R, H394R, H406R.
Identifiers: ClinVar variation 2982068 (VCV002982068.3), dbSNP rs771668059, ClinGen allele CA4112082.